The following is an entry in ClinVar:

NM_019109.5(ALG1):c.193C>T (p.Leu65Phe)

Genes: ALG1 (ALG1 chitobiosyldiphosphodolichol beta-mannosyltransferase; plus strand), LOC130058384 (ATAC-STARR-seq lymphoblastoid active region 10349; plus strand). Cytogenetic location: 16p13.3.
Variant type: single nucleotide variant.
Coding change: c.193C>T on transcript NM_019109.5 (MANE Select); coding-DNA position 193, C replaced by T.
Protein change: p.Leu65Phe; replaces leucine 65 with phenylalanine.
Molecular consequence: missense variant.
Genome position (GRCh38, 1-based): chr16:5,072,042, C>T. VCF-style: chr16-5072042-C-T. GRCh37 (hg19) VCF-style: chr16-5122043-C-T.
Other names: short protein forms L65F.
Identifiers: ClinVar variation 2006562 (VCV002006562.3), dbSNP rs574075695, ClinGen allele CA7889690.

ClinVar aggregate classification (germline): Uncertain significance (1 of 4 stars; one submission).

Conditions:
ALG1-congenital disorder of glycosylation. Also called: ALG1-CDG; CDG Ik; CONGENITAL DISORDER OF GLYCOSYLATION, TYPE Ik. Identifiers: Orphanet 79327, MedGen C2931005, MONDO:0012052, OMIM 608540.

Allele frequency attached by ClinVar (database versions not stated): ExAC 0.00002; 1000 Genomes Project 30x 0.00016; 1000 Genomes Project 0.00020.
gnomAD v4.1: 6 of 1,586,076 alleles (0.00038%); highest among the groups gnomAD compares: Middle Eastern, 0.017%; no homozygotes.

Submission:

Labcorp Genetics (formerly Invitae), Labcorp
Classification: Uncertain significance for ALG1-congenital disorder of glycosylation. Last evaluated: 2024-11-18. Review status: criteria provided, single submitter. Criteria: Invitae Variant Classification Sherloc (09022015). Collection method: clinical testing. Allele origin: germline.
Comment: This sequence change replaces leucine, which is neutral and non-polar, with phenylalanine, which is neutral and non-polar, at codon 65 of the ALG1 protein (p.Leu65Phe). The frequency data for this variant in the population databases is considered unreliable, as metrics indicate poor data quality at this position in the gnomAD database. This variant has not been reported in the literature in individuals affected with ALG1-related conditions. ClinVar contains an entry for this variant (Variation ID: 2006562). An algorithm developed to predict the effect of missense changes on protein structure and function outputs the following: PolyPhen-2: "Benign". The phenylalanine amino acid residue is found in multiple mammalian species, which suggests that this missense change does not adversely affect protein function. In summary, the available evidence is currently insufficient to determine the role of this variant in disease. Therefore, it has been classified as a Variant of Uncertain Significance.